The following is an entry in ClinVar:

NM_001939.3(DRP2):c.1517C>T (p.Thr506Met)

Gene: DRP2 (dystrophin related protein 2; plus strand). Cytogenetic location: Xq22.1.
Variant type: single nucleotide variant.
Coding change: c.1517C>T on transcript NM_001939.3 (MANE Select); coding-DNA position 1517, C replaced by T.
Protein change: p.Thr506Met; replaces threonine 506 with methionine.
Molecular consequence: missense variant.
Genome position (GRCh38, 1-based): chrX:101,248,576, C>T. VCF-style: chrX-101248576-C-T. GRCh37 (hg19) VCF-style: chrX-100503565-C-T.
Other names: c.1283C>T, p.Thr428Met (NM_001171184.2); c.1517C>T (NM_001939.2); short protein forms T428M, T506M.
Identifiers: ClinVar variation 1587248 (VCV001587248.10), dbSNP rs190868473, ClinGen allele CA10472284.

ClinVar aggregate classification (germline): Conflicting classifications of pathogenicity. Review status: criteria provided, conflicting classifications (1 of 4 stars). 3 submissions from 3 submitters: Uncertain significance (1); Likely benign (2). Last evaluated 2025-08-11.

Conditions:
DRP2-related disorder. Also called: DRP2-related condition.

Allele frequency attached by ClinVar (database versions not stated): ExAC 0.00015; gnomAD 0.00015 and 0.00016; ESP Exome Variant Server 0.00019; TOPMed 0.00021; gnomAD exomes 0.00028; 1000 Genomes Project 0.00053; 1000 Genomes Project 30x 0.00062.

Submissions (3):

PreventionGenetics, part of Exact Sciences
Classification: Likely benign for DRP2-related condition. Last evaluated: 2025-08-11. Review status: criteria provided, single submitter. Criteria: ACMG Guidelines, 2015. Collection method: clinical testing. Allele origin: germline.
Comment: This variant is classified as likely benign based on ACMG/AMP sequence variant interpretation guidelines (Richards et al. 2015 PMID: 25741868, with internal and published modifications).

Labcorp Genetics (formerly Invitae), Labcorp
Classification: Likely benign. Last evaluated: 2025-05-19. Review status: criteria provided, single submitter. Criteria: Invitae Variant Classification Sherloc (09022015). Collection method: clinical testing. Allele origin: germline.

Ambry Genetics
Classification: Uncertain significance. Last evaluated: 2023-09-22. Review status: criteria provided, single submitter. Criteria: Ambry Variant Classification Scheme 2023. Collection method: clinical testing. Allele origin: germline.